The following is an entry in ClinVar:

ClinVar aggregate classification (germline): Uncertain significance (1 of 4 stars; one submission).

Conditions:
Hereditary cancer-predisposing syndrome. Also called: Neoplastic Syndromes, Hereditary; Tumor predisposition; Hereditary neoplastic syndrome; Hereditary Cancer Syndrome. Identifiers: Orphanet 140162, MedGen C0027672, MeSH D009386, MONDO:0015356.
Cardiovascular phenotype. Identifiers: MedGen CN230736.

Submission:

Ambry Genetics
Classification: Uncertain significance for Cardiovascular phenotype; Hereditary cancer-predisposing syndrome. Last evaluated: 2023-09-20. Review status: criteria provided, single submitter. Criteria: Ambry Variant Classification Scheme 2023. Collection method: clinical testing. Allele origin: germline.
Comment: The p.L2130F variant (also known as c.6388C>T), located in coding exon 42 of the NF1 gene, results from a C to T substitution at nucleotide position 6388. The leucine at codon 2130 is replaced by phenylalanine, an amino acid with highly similar properties. This amino acid position is conserved. In addition, the in silico prediction for this alteration is inconclusive. Since supporting evidence is limited at this time, the clinical significance of this alteration remains unclear.

NM_001042492.3(NF1):c.6451C>T (p.Leu2151Phe)

Gene: NF1 (neurofibromin 1; plus strand). Cytogenetic location: 17q11.2.
Variant type: single nucleotide variant.
Coding change: c.6451C>T on transcript NM_001042492.3 (MANE Select); coding-DNA position 6451, C replaced by T.
Protein change: p.Leu2151Phe; replaces leucine 2151 with phenylalanine.
Molecular consequence: missense variant.
Genome position (GRCh38, 1-based): chr17:31,337,391, C>T. VCF-style: chr17-31337391-C-T. GRCh37 (hg19) VCF-style: chr17-29664409-C-T.
Other names: c.6388C>T, p.Leu2130Phe (NM_000267.4); short protein forms L2130F, L2151F.
Identifiers: ClinVar variation 3237874 (VCV003237874.1), dbSNP rs2151556006.